The following is an entry in ClinVar:

NM_000492.4(CFTR):c.4299G>C (p.Glu1433Asp)

Genes: CFTR (CF transmembrane conductance regulator; plus strand), LOC111674477 (CFTR intron 23 enhancer; plus strand). Cytogenetic location: 7q31.2.
Variant type: single nucleotide variant.
Coding change: c.4299G>C on transcript NM_000492.4 (MANE Select); coding-DNA position 4299, G replaced by C.
Protein change: p.Glu1433Asp; replaces glutamic acid 1433 with aspartic acid.
Molecular consequence: missense variant.
Genome position (GRCh38, 1-based): chr7:117,666,964, G>C. VCF-style: chr7-117666964-G-C. GRCh37 (hg19) VCF-style: chr7-117307018-G-C.
Other names: short protein forms E1433D.
Identifiers: ClinVar variation 1739480 (VCV001739480.2), dbSNP rs2485185600, ClinGen allele CA368984681.

ClinVar aggregate classification (germline): Uncertain significance (1 of 4 stars; one submission).

Conditions:
Cystic fibrosis (CF). Also called: MUCOVISCIDOSIS. Identifiers: Orphanet 586, MedGen C0010674, MONDO:0009061, OMIM 219700. Disease mechanism: loss of function.

Allele frequency attached by ClinVar (database versions not stated): gnomAD exomes below 0.00001.
gnomAD v4.1: 1 of 1,614,062 alleles (0.000062%); highest among the groups gnomAD compares: East Asian, 0.0022%; no homozygotes.

Submission:

Ambry Genetics
Classification: Uncertain significance for Cystic fibrosis. Last evaluated: 2022-06-24. Review status: criteria provided, single submitter. Criteria: Ambry Variant Classification Scheme 2023. Collection method: clinical testing. Allele origin: germline.
Comment: The p.E1433D variant (also known as c.4299G>C), located in coding exon 27 of the CFTR gene, results from a G to C substitution at nucleotide position 4299. The glutamic acid at codon 1433 is replaced by aspartic acid, an amino acid with highly similar properties. This amino acid position is conserved. In addition, the in silico prediction for this alteration is inconclusive. Since supporting evidence is limited at this time, the clinical significance of this alteration remains unclear.